The following is an entry in ClinVar:

NM_001374385.1(ATP8B1):c.1227del (p.Glu409_Val410insTer)

Gene: ATP8B1 (ATPase phospholipid transporting 8B1; minus strand). Cytogenetic location: 18q21.31.
Variant type: Deletion.
Coding change: c.1227del on transcript NM_001374385.1 (MANE Select); coding-DNA position 1227, one base deleted (A; older notation c.1227delA).
Protein change: p.Glu409_Val410insTer.
Molecular consequence: frameshift variant.
Genome position (GRCh38, 1-based): chr18:57,688,501, T deleted on the plus strand (A on the coding strand, the reverse complement: ATP8B1 is on the minus strand); the first of 2 consecutive T bases (chr18:57,688,501-57,688,502); deleting either gives the same sequence. VCF-style (leftmost placement, unchanged base first): chr18-57688500-CT-C. GRCh37 (hg19) VCF-style: chr18-55355732-CT-C.
Other names: c.1077del, p.Glu359_Val360insTer (NM_001374386.1); c.1227del, p.Glu409_Val410insTer (NM_005603.6).
Identifiers: ClinVar variation 4846304 (VCV004846304.1).

ClinVar aggregate classification (germline): Pathogenic (1 of 4 stars; one submission).

Conditions:
Familial intrahepatic cholestasis. Identifiers: Orphanet 284385, MedGen CN296401, MONDO:0017290.

Submission:

Genomenon, Inc
Classification: Pathogenic for Familial intrahepatic cholestasis. Last evaluated: 2026-04-14. Review status: criteria provided, single submitter. Criteria: Genomenon Sequence Variant Interpretation Standards - Updated. Collection method: curation. Allele origin: germline. Affected: yes.
Comment: ATP8B1 p.Val410Ter (c.1227del) is a nonsense variant that introduces a premature stop codon at amino acid position 410, creating a truncated protein that is predicted to undergo nonsense-mediated mRNA decay. This variant has been observed in at least one proband with features of ATP8B1-deficiency (PMID:22525741). It is absent or not present at a significant frequency in gnomAD. In conclusion, we classify ATP8B1 p.Val410Ter (c.1227del) as a pathogenic variant.

Literature cited by the submitters: PubMed 22525741.